The following is an entry in ClinVar:

NM_003072.5(SMARCA4):c.4228T>A (p.Ser1410Thr)

Gene: SMARCA4 (SWI/SNF related BAF chromatin remodeling complex subunit ATPase 4; plus strand). Cytogenetic location: 19p13.2.
Variant type: single nucleotide variant.
Coding change: c.4228T>A on transcript NM_003072.5 (MANE Select); coding-DNA position 4228, T replaced by A.
Protein change: p.Ser1410Thr; replaces serine 1410 with threonine.
Molecular consequence: missense variant. On other transcripts: non-coding transcript variant (1).
Genome position (GRCh38, 1-based): chr19:11,041,364, T>A. VCF-style: chr19-11041364-T-A. GRCh37 (hg19) VCF-style: chr19-11152040-T-A.
Other names: c.4228T>A, p.Ser1410Thr (NM_001128844.3); c.4138T>A, p.Ser1380Thr (NM_001128845.2, NM_001128846.2); c.4129T>A, p.Ser1377Thr (NM_001128847.4, NM_001128848.2, NM_001374457.1); c.4324T>A, p.Ser1442Thr (NM_001128849.3); short protein forms S1442T, S1380T, S1377T, S1410T.
Identifiers: ClinVar variation 824798 (VCV000824798.8), dbSNP rs1282651436, ClinGen allele CA404073026.

ClinVar aggregate classification (germline): Uncertain significance. Review status: criteria provided, multiple submitters, no conflicts (2 of 4 stars). 2 submissions from 2 submitters: Uncertain significance (2). Last evaluated 2025-12-01.

Conditions:
Hereditary cancer-predisposing syndrome. Also called: Neoplastic Syndromes, Hereditary; Tumor predisposition; Hereditary neoplastic syndrome; Hereditary Cancer Syndrome. Identifiers: Orphanet 140162, MedGen C0027672, MeSH D009386, MONDO:0015356.
Rhabdoid tumor predisposition syndrome 2 (RTPS2). Identifiers: Orphanet 231108, Orphanet 69077, MedGen C2750074, MONDO:0013224, OMIM 613325.

Allele frequency attached by ClinVar (database versions not stated): gnomAD exomes below 0.00001.
gnomAD v4.1: 4 of 1,612,500 alleles (0.00025%); highest among the groups gnomAD compares: Non-Finnish European, 0.00034%; no homozygotes.

Submissions (2):

Ambry Genetics
Classification: Uncertain significance for Hereditary cancer-predisposing syndrome. Last evaluated: 2025-12-01. Review status: criteria provided, single submitter. Criteria: Ambry Variant Classification Scheme 2023. Collection method: clinical testing. Allele origin: germline.
Comment: The p.S1442T variant (also known as c.4324T>A), located in coding exon 30 of the SMARCA4 gene, results from a T to A substitution at nucleotide position 4324. The serine at codon 1442 is replaced by threonine, an amino acid with similar properties. This amino acid position is not well conserved in available vertebrate species, and threonine is the reference amino acid in other vertebrate species. In addition, this alteration is predicted to be tolerated by in silico analysis. Based on the available evidence, the clinical significance of this variant remains unclear.

Labcorp Genetics (formerly Invitae), Labcorp
Classification: Uncertain significance for Rhabdoid tumor predisposition syndrome 2. Last evaluated: 2024-04-16. Review status: criteria provided, single submitter. Criteria: Invitae Variant Classification Sherloc (09022015). Collection method: clinical testing. Allele origin: germline.
Comment: This sequence change replaces serine, which is neutral and polar, with threonine, which is neutral and polar, at codon 1442 of the SMARCA4 protein (p.Ser1442Thr). This variant is present in population databases (no rsID available, gnomAD 0.0009%). This variant has not been reported in the literature in individuals affected with SMARCA4-related conditions. ClinVar contains an entry for this variant (Variation ID: 824798). Advanced modeling of protein sequence and biophysical properties (such as structural, functional, and spatial information, amino acid conservation, physicochemical variation, residue mobility, and thermodynamic stability) performed at Invitae indicates that this missense variant is not expected to disrupt SMARCA4 protein function with a negative predictive value of 95%. In summary, the available evidence is currently insufficient to determine the role of this variant in disease. Therefore, it has been classified as a Variant of Uncertain Significance.